The following is an entry in ClinVar:

NM_000095.3(COMP):c.*92G>A

Gene: COMP (cartilage oligomeric matrix protein; minus strand). Cytogenetic location: 19p13.11.
Variant type: single nucleotide variant.
Coding change: c.*92G>A on transcript NM_000095.3 (MANE Select); 92 bases downstream of the stop codon, G replaced by A.
Molecular consequence: 3 prime UTR variant.
Genome position (GRCh38, 1-based): chr19:18,782,823, C>T on the plus strand (G>A on the coding strand, the complement: COMP is on the minus strand). VCF-style: chr19-18782823-C-T. GRCh37 (hg19) VCF-style: chr19-18893633-C-T.
Identifiers: ClinVar variation 328607 (VCV000328607.7), dbSNP rs9407, ClinGen allele CA10651666.

ClinVar aggregate classification (germline): Benign/Likely benign. Review status: criteria provided, multiple submitters, no conflicts (2 of 4 stars). 3 submissions from 2 submitters: Benign (2); Likely benign (1). Last evaluated 2018-11-10.

Conditions:
Pseudoachondroplastic spondyloepiphyseal dysplasia syndrome (PSACH). Also called: COMP-Related Pseudoachondroplasia; PSEUDOACHONDROPLASTIC DYSPLASIA; Pseudoachondroplasia. Identifiers: Orphanet 750, MedGen C0410538, MONDO:0008322, OMIM 177170.
Multiple epiphyseal dysplasia type 1. Also called: COMP-Related Multiple Epiphyseal Dysplasia. Identifiers: Orphanet 93308, MedGen C1838280, MONDO:0007561, OMIM 132400.

Allele frequency attached by ClinVar (database versions not stated): gnomAD exomes 0.00046; 1000 Genomes Project 0.00319; gnomAD 0.00352 and 0.00384; 1000 Genomes Project 30x 0.00375; TOPMed 0.00426.
gnomAD v4.1: 1,142 of 1,424,008 alleles (0.08%); highest among the groups gnomAD compares: African/African-American, 1.2%; 7 homozygotes.

Submissions (3):

GeneDx
Classification: Likely benign. Last evaluated: 2018-11-10. Review status: criteria provided, single submitter. Criteria: GeneDx Variant Classification Process June 2021. Collection method: clinical testing. Allele origin: germline. Affected: yes.

Illumina Laboratory Services, Illumina
Classification: Benign for Multiple epiphyseal dysplasia type 1. Last evaluated: 2018-01-12. Review status: criteria provided, single submitter. Criteria: ICSL Variant Classification Criteria 13 December 2019. Collection method: clinical testing. Allele origin: germline.
Comment: This variant was observed in the ICSL laboratory as part of a predisposition screen in an ostensibly healthy population. It had not been previously curated by ICSL or reported in the Human Gene Mutation Database (HGMD: prior to June 1st, 2018), and was therefore a candidate for classification through an automated scoring system. Utilizing variant allele frequency, disease prevalence and penetrance estimates, and inheritance mode, an automated score was calculated to assess if this variant is too frequent to cause the disease. Based on the score and internal cut-off values, a variant classified as benign is not then subjected to further curation. The score for this variant resulted in a classification of benign for this disease.

Illumina Laboratory Services, Illumina
Classification: Benign for Pseudoachondroplastic spondyloepiphyseal dysplasia syndrome. Last evaluated: 2018-01-12. Review status: criteria provided, single submitter. Criteria: ICSL Variant Classification Criteria 13 December 2019. Collection method: clinical testing. Allele origin: germline.
Comment: the same text as in the submission from Illumina Laboratory Services, Illumina above.